The following is an entry in ClinVar:

ClinVar aggregate classification (germline): Uncertain significance (1 of 4 stars; one submission).

Conditions:
Angelman syndrome (AS). Also called: HAPPY PUPPET SYNDROME. Identifiers: Orphanet 72, MedGen C0162635, MONDO:0007113, OMIM 105830. Disease mechanism: loss of function. Inheritance: imprinting disorder, AS is caused by disruption of maternally imprinted UBE3A located within the 15q11.2-q13 Angelman syndrome/Prader-Willi syndrome (AS/PWS) region..

Submission:

Labcorp Genetics (formerly Invitae), Labcorp
Classification: Uncertain significance for Angelman syndrome. Last evaluated: 2023-09-30. Review status: criteria provided, single submitter. Criteria: Invitae Variant Classification Sherloc (09022015). Collection method: clinical testing. Allele origin: germline.
Comment: This sequence change replaces valine, which is neutral and non-polar, with glycine, which is neutral and non-polar, at codon 365 of the UBE3A protein (p.Val365Gly). This variant is not present in population databases (gnomAD no frequency). This variant has not been reported in the literature in individuals affected with UBE3A-related conditions. Advanced modeling of protein sequence and biophysical properties (such as structural, functional, and spatial information, amino acid conservation, physicochemical variation, residue mobility, and thermodynamic stability) has been performed at Invitae for this missense variant, however the output from this modeling did not meet the statistical confidence thresholds required to predict the impact of this variant on UBE3A protein function. In summary, the available evidence is currently insufficient to determine the role of this variant in disease. Therefore, it has been classified as a Variant of Uncertain Significance.

NM_130839.5(UBE3A):c.1154T>G (p.Val385Gly)

Genes: SNHG14 (small nucleolar RNA host gene 14; plus strand), UBE3A (ubiquitin protein ligase E3A; minus strand). Cytogenetic location: 15q11.2.
Variant type: single nucleotide variant.
Coding change: c.1154T>G on transcript NM_130839.5 (MANE Select); coding-DNA position 1154, T replaced by G.
Protein change: p.Val385Gly; replaces valine 385 with glycine.
Molecular consequence: missense variant. On other transcripts: non-coding transcript variant (1), intron variant (2).
Genome position (GRCh38, 1-based): chr15:25,371,020, A>C on the plus strand (T>G on the coding strand, the complement: UBE3A is on the minus strand). VCF-style: chr15-25371020-A-C. GRCh37 (hg19) VCF-style: chr15-25616167-A-C.
Other names: c.1163T>G, p.Val388Gly (NM_000462.5); c.1154T>G, p.Val385Gly (NM_001354505.1, NM_001354538.2, NM_001354545.2); c.1094T>G, p.Val365Gly (NM_001354506.2, NM_001354507.2, NM_001354508.2 and 17 more transcripts); c.977T>G, p.Val326Gly (NM_001354546.2); c.301+4445T>G (NM_001354551.2); c.361+4445T>G (NM_001354550.2); short protein forms V385G, V365G, V326G, V388G.
Identifiers: ClinVar variation 2764525 (VCV002764525.3), dbSNP rs2552191617, ClinGen allele CA391354239.